The following is an entry in ClinVar:

ClinVar aggregate classification (germline): Conflicting classifications of pathogenicity. Review status: criteria provided, conflicting classifications (1 of 4 stars). 9 submissions from 9 submitters: Uncertain significance (4); Likely benign (4). 1 of the submissions does not count toward it. Last evaluated 2025-12-10.

Conditions:
Primary ciliary dyskinesia. Also called: Ciliary dyskinesia. Identifiers: Orphanet 244, MedGen C0008780, MONDO:0016575, HP:0012265.
Primary ciliary dyskinesia 3. Identifiers: Orphanet 244, MedGen C1837618, MONDO:0012085, OMIM 608644.

Allele frequency attached by ClinVar (database versions not stated): 1000 Genomes Project 30x 0.00031; 1000 Genomes Project 0.00040; TOPMed 0.00107; ESP Exome Variant Server 0.00123.
gnomAD v4.1: 414 of 1,614,078 alleles (0.026%); highest among the groups gnomAD compares: African/African-American, 0.29%; no homozygotes.

Submissions (9):

Labcorp Genetics (formerly Invitae), Labcorp
Classification: Likely benign for Primary ciliary dyskinesia. Last evaluated: 2025-12-10. Review status: criteria provided, single submitter. Criteria: Invitae Variant Classification Sherloc (09022015). Collection method: clinical testing. Allele origin: germline.

Women's Health and Genetics/Laboratory Corporation of America, LabCorp
Classification: Likely benign. Last evaluated: 2025-03-28. Review status: criteria provided, single submitter. Criteria: LabCorp Variant Classification Summary - May 2015. Collection method: clinical testing. Allele origin: germline.
Comment: Variant summary: DNAH5 c.13569C>A (p.Asp4523Glu) results in a conservative amino acid change in the encoded protein sequence. Four of five in-silico tools predict a benign effect of the variant on protein function. The variant allele was found at a frequency of 0.00038 in 251334 control chromosomes, predominantly at a frequency of 0.0033 within the African or African-American subpopulation in the gnomAD database. The observed variant frequency within African or African-American control individuals in the gnomAD database exceeds the estimated maximal expected allele frequency for a pathogenic variant in DNAH5 causing Primary ciliary dyskinesia 3 phenotype. To our knowledge, no occurrence of c.13569C>A in individuals affected with Primary ciliary dyskinesia 3 and no experimental evidence demonstrating its impact on protein function have been reported. ClinVar contains an entry for this variant (Variation ID: 163131). Based on the evidence outlined above, the variant was classified as likely benign.

Genome-Nilou Lab
Classification: Uncertain significance for Primary ciliary dyskinesia 3. Last evaluated: 2021-07-22. Review status: criteria provided, single submitter. Criteria: ACMG Guidelines, 2015. Collection method: clinical testing. Allele origin: germline. Affected: no.

Revvity Omics, Revvity
Classification: Uncertain significance for Primary ciliary dyskinesia 3. Last evaluated: 2021-02-18. Review status: criteria provided, single submitter. Criteria: ACMG Guidelines, 2015. Collection method: clinical testing. Allele origin: germline.

Baylor Genetics
Classification: Uncertain significance for Primary ciliary dyskinesia 3. Last evaluated: 2018-05-11. Review status: criteria provided, single submitter. Criteria: ACMG Guidelines, 2015. Collection method: clinical testing. Allele origin: unknown. Affected: yes.
Comment: This variant was determined to be of uncertain significance according to ACMG Guidelines, 2015 [PMID:25741868].

Illumina Laboratory Services, Illumina
Classification: Uncertain significance for Primary ciliary dyskinesia 3. Last evaluated: 2018-01-13. Review status: criteria provided, single submitter. Criteria: ICSL Variant Classification Criteria 13 December 2019. Collection method: clinical testing. Allele origin: germline.

Ambry Genetics
Classification: Likely benign for Primary ciliary dyskinesia. Last evaluated: 2017-05-15. Review status: criteria provided, single submitter. Criteria: Ambry Variant Classification Scheme 2023. Collection method: clinical testing. Allele origin: germline.

Laboratory for Molecular Medicine, Mass General Brigham Personalized Medicine
Classification: Likely benign. Last evaluated: 2013-02-21. Review status: criteria provided, single submitter. Criteria: LMM Criteria. Collection method: clinical testing. Allele origin: germline. Observed: 1 variant allele.
Comment: Asp4523Glu in exon 78 of DNAH5: This variant is not expected to have clinical si gnificance because it has been identified in 0.3% (15/4406) of African American chromosomes from a broad population by the NHLBI Exome Sequencing Project (dbSNP rs151080414).

Natera, Inc.
Classification: Uncertain significance for Primary ciliary dyskinesia. Last evaluated: 2020-01-17. Review status: no assertion criteria provided. Collection method: clinical testing. Allele origin: germline. Not counted in ClinVar's aggregate classification.

NM_001369.3(DNAH5):c.13569C>A (p.Asp4523Glu)

Gene: DNAH5 (dynein axonemal heavy chain 5; minus strand). Cytogenetic location: 5p15.2.
Variant type: single nucleotide variant.
Coding change: c.13569C>A on transcript NM_001369.3 (MANE Select); coding-DNA position 13569, C replaced by A.
Protein change: p.Asp4523Glu; replaces aspartic acid 4523 with glutamic acid.
Molecular consequence: missense variant.
Genome position (GRCh38, 1-based): chr5:13,700,794, G>T on the plus strand (C>A on the coding strand, the complement: DNAH5 is on the minus strand). VCF-style: chr5-13700794-G-T. GRCh37 (hg19) VCF-style: chr5-13700903-G-T.
Other names: short protein forms D4523E.
Identifiers: ClinVar variation 163131 (VCV000163131.29), dbSNP rs151080414, ClinGen allele CA175767.